The following is an entry in ClinVar:

ClinVar aggregate classification (germline): Benign/Likely benign. Review status: criteria provided, multiple submitters, no conflicts (2 of 4 stars). 4 submissions from 4 submitters: Benign (1); Likely benign (2). 1 of the submissions does not count toward it. Last evaluated 2026-07-01.

Conditions:
VPS13C-related disorder. Also called: VPS13C-related condition.

Allele frequency attached by ClinVar (database versions not stated): gnomAD exomes 0.00025; ExAC 0.00070; 1000 Genomes Project 30x 0.00187; 1000 Genomes Project 0.00220; gnomAD 0.00255; TOPMed 0.00297; ESP Exome Variant Server 0.00377.
gnomAD v4.1: 769 of 1,614,004 alleles (0.048%); highest among the groups gnomAD compares: African/African-American, 0.89%; 1 homozygote.

Submissions (4):

CeGaT Center for Human Genetics Tuebingen
Classification: Likely benign. Last evaluated: 2026-07-01. Review status: criteria provided, single submitter. Criteria: CeGaT Center For Human Genetics Tuebingen Variant Classification Criteria Version 2. Collection method: clinical testing. Allele origin: germline. Affected: yes. Observed: 4 variant alleles.
Comment: VPS13C: BP4, BP7

Blueprint Genetics
Classification: Likely benign. Last evaluated: 2024-11-25. Review status: criteria provided, single submitter. Criteria: ACMG Guidelines, 2015. Collection method: clinical testing. Allele origin: germline.

Labcorp Genetics (formerly Invitae), Labcorp
Classification: Benign. Last evaluated: 2024-06-17. Review status: criteria provided, single submitter. Criteria: Invitae Variant Classification Sherloc (09022015). Collection method: clinical testing. Allele origin: germline.

PreventionGenetics, part of Exact Sciences
Classification: Benign for VPS13C-related condition. Last evaluated: 2019-05-22. Review status: no assertion criteria provided. Collection method: clinical testing. Allele origin: germline. Not counted in ClinVar's aggregate classification.
Comment: This variant is classified as benign based on ACMG/AMP sequence variant interpretation guidelines (Richards et al. 2015 PMID: 25741868, with internal and published modifications).

NM_020821.3(VPS13C):c.3777C>G (p.Thr1259=)

Gene: VPS13C (vacuolar protein sorting 13 homolog C; minus strand). Cytogenetic location: 15q22.2.
Variant type: single nucleotide variant.
Coding change: c.3777C>G on transcript NM_020821.3 (MANE Select); coding-DNA position 3777, C replaced by G.
Protein change: p.Thr1259=; no amino-acid change (threonine 1259 retained).
Molecular consequence: synonymous variant.
Genome position (GRCh38, 1-based): chr15:61,961,720, G>C on the plus strand (C>G on the coding strand, the complement: VPS13C is on the minus strand). VCF-style: chr15-61961720-G-C. GRCh37 (hg19) VCF-style: chr15-62253919-G-C.
Other names: c.3777C>G, p.Thr1259= (NM_001018088.3); c.3648C>G, p.Thr1216= (NM_017684.5, NM_018080.4); c.3777C>G (NM_020821.2).
Identifiers: ClinVar variation 2054205 (VCV002054205.28), dbSNP rs36089949, ClinGen allele CA7596293.
Genomic context (GRCh38, chr15:61,961,720, plus strand): 5'-AGACACCAGACTGAACTGATTATGAACTCTGATTAACCCAAGATCTACCACTACTGCATT[G>C]GTGGAAATAGAAGACTGTGGGATGACTATAACCGGTGCTTTCAAATCAATATTGATGGAA-3'
Protein context (NP_065872.1, residues 1249-1269): VIVIPQSSIS[Thr1259=]NAVVVDLGLI